The following is an entry in ClinVar:

NM_004177.5(STX3):c.636C>T (p.His212=)

Gene: STX3 (syntaxin 3; plus strand). Cytogenetic location: 11q12.1.
Variant type: single nucleotide variant.
Coding change: c.636C>T on transcript NM_004177.5 (MANE Select); coding-DNA position 636, C replaced by T.
Protein change: p.His212=; no amino-acid change (histidine 212 retained).
Molecular consequence: synonymous variant.
Genome position (GRCh38, 1-based): chr11:59,793,475, C>T. VCF-style: chr11-59793475-C-T. GRCh37 (hg19) VCF-style: chr11-59560948-C-T.
Other names: c.636C>T, p.His212= (NM_001178040.3).
Identifiers: ClinVar variation 1657146 (VCV001657146.10), dbSNP rs757376348, ClinGen allele CA6020950.

ClinVar aggregate classification (germline): Likely benign. Review status: criteria provided, multiple submitters, no conflicts (2 of 4 stars). 2 submissions from 2 submitters: Likely benign (2). Last evaluated 2026-06-01.

Allele frequency attached by ClinVar (database versions not stated): ExAC 0.00001; gnomAD exomes 0.00002 and 0.00003; TOPMed 0.00003; gnomAD 0.00005.

Submissions (2):

CeGaT Center for Human Genetics Tuebingen
Classification: Likely benign. Last evaluated: 2026-06-01. Review status: criteria provided, single submitter. Criteria: CeGaT Center For Human Genetics Tuebingen Variant Classification Criteria Version 2. Collection method: clinical testing. Allele origin: germline. Affected: yes. Observed: 1 variant allele.
Comment: STX3: BP4, BP7

Labcorp Genetics (formerly Invitae), Labcorp
Classification: Likely benign. Last evaluated: 2024-09-03. Review status: criteria provided, single submitter. Criteria: Invitae Variant Classification Sherloc (09022015). Collection method: clinical testing. Allele origin: germline.